The following is an entry in ClinVar:

NM_003742.4(ABCB11):c.2371C>T (p.Gln791Ter)

Gene: ABCB11 (ATP binding cassette subfamily B member 11; minus strand). Cytogenetic location: 2q31.1.
Variant type: single nucleotide variant.
Coding change: c.2371C>T on transcript NM_003742.4 (MANE Select); coding-DNA position 2371, C replaced by T.
Protein change: p.Gln791Ter; replaces glutamine 791 with a stop codon.
Molecular consequence: nonsense.
Genome position (GRCh38, 1-based): chr2:168,944,934, G>A on the plus strand (C>T on the coding strand, the complement: ABCB11 is on the minus strand). VCF-style: chr2-168944934-G-A. GRCh37 (hg19) VCF-style: chr2-169801444-G-A.
Other names: short protein forms Q791*.
Identifiers: ClinVar variation 4846136 (VCV004846136.1).

ClinVar aggregate classification (germline): Pathogenic (1 of 4 stars; one submission).

Conditions:
Familial intrahepatic cholestasis. Identifiers: Orphanet 284385, MedGen CN296401, MONDO:0017290.

Submission:

Genomenon, Inc
Classification: Pathogenic for Familial intrahepatic cholestasis. Last evaluated: 2026-04-14. Review status: criteria provided, single submitter. Criteria: Genomenon Sequence Variant Interpretation Standards - Updated. Collection method: curation. Allele origin: germline. Affected: yes.
Comment: ABCB11 p.Gln791Ter (c.2371C>T) is a nonsense variant that introduces a premature stop codon at amino acid position 791, creating a truncated protein that is predicted to undergo nonsense-mediated mRNA decay. This variant has been observed in at least one proband with an ABCB11-related disorder (PMID:26516723). It is absent or not present at a significant frequency in gnomAD. In conclusion, we classify ABCB11 p.Gln791Ter (c.2371C>T) as a pathogenic variant.

Literature cited by the submitters: PubMed 26516723.